The following is an entry in ClinVar:

ClinVar aggregate classification (germline): Uncertain significance (1 of 4 stars; one submission).

Submission:

Labcorp Genetics (formerly Invitae), Labcorp
Classification: Uncertain significance. Last evaluated: 2022-06-28. Review status: criteria provided, single submitter. Criteria: Invitae Variant Classification Sherloc (09022015). Collection method: clinical testing. Allele origin: germline.
Comment: In summary, the available evidence is currently insufficient to determine the role of this variant in disease. Therefore, it has been classified as a Variant of Uncertain Significance. Algorithms developed to predict the effect of missense changes on protein structure and function (SIFT, PolyPhen-2, Align-GVGD) all suggest that this variant is likely to be tolerated. This variant has not been reported in the literature in individuals affected with ATR-related conditions. This variant is not present in population databases (gnomAD no frequency). This sequence change replaces alanine, which is neutral and non-polar, with glycine, which is neutral and non-polar, at codon 140 of the ATR protein (p.Ala140Gly).

NM_001184.4(ATR):c.419C>G (p.Ala140Gly)

Gene: ATR (ATR checkpoint kinase; minus strand). Cytogenetic location: 3q23.
Variant type: single nucleotide variant.
Coding change: c.419C>G on transcript NM_001184.4 (MANE Select); coding-DNA position 419, C replaced by G.
Protein change: p.Ala140Gly; replaces alanine 140 with glycine.
Molecular consequence: missense variant.
Genome position (GRCh38, 1-based): chr3:142,562,983, G>C on the plus strand (C>G on the coding strand, the complement: ATR is on the minus strand). VCF-style: chr3-142562983-G-C. GRCh37 (hg19) VCF-style: chr3-142281825-G-C.
Other names: c.419C>G, p.Ala140Gly (NM_001354579.2); short protein forms A140G.
Identifiers: ClinVar variation 2073739 (VCV002073739.4), dbSNP rs2108488637, ClinGen allele CA354827048.